The following is an entry in ClinVar:

ClinVar aggregate classification (germline): Pathogenic (0 of 4 stars; one submission).

Conditions:
Microphthalmia, syndromic 9. Also called: ANOPHTHALMIA, CLINICAL, WITH MILD FACIAL DYSMORPHISM AND VARIABLE MALFORMATIONS OF THE LUNG, HEART, AND DIAPHRAGM; ANOPHTHALMIA/MICROPHTHALMIA AND PULMONARY HYPOPLASIA; PULMONARY AGENESIS, MICROPHTHALMIA, AND DIAPHRAGMATIC DEFECT; SPEAR SYNDROME; Matthew-Wood syndrome. Identifiers: Orphanet 2470, MedGen C1832661, MONDO:0011010, OMIM 601186.

Submission:

Hôpital Purpan
Classification: Pathogenic for Microphthalmia, syndromic 9. Last evaluated: 2021-10-06. Review status: no assertion criteria provided. Collection method: research, in vitro. Allele origin: inherited, not applicable. Inheritance: Autosomal recessive inheritance. Affected: yes. Observed: 1 compound heterozygote. Functional consequence: protein truncation.
Comment: Nonsense variation. Absent from general population (gnomAD). In trans with a class 4 variation. In vitro functional studies demonstrated the deleterious effect on protein function

NM_058238.3(WNT7B):c.225C>G (p.Tyr75Ter)

Gene: WNT7B (Wnt family member 7B; minus strand). Cytogenetic location: 22q13.31.
Variant type: single nucleotide variant.
Coding change: c.225C>G on transcript NM_058238.3 (MANE Select); coding-DNA position 225, C replaced by G.
Protein change: p.Tyr75Ter; replaces tyrosine 75 with a stop codon.
Molecular consequence: nonsense.
Genome position (GRCh38, 1-based): chr22:45,949,993, G>C on the plus strand (C>G on the coding strand, the complement: WNT7B is on the minus strand). VCF-style: chr22-45949993-G-C. GRCh37 (hg19) VCF-style: chr22-46345873-G-C.
Other names: short protein forms Y75*.
Identifiers: ClinVar variation 1299461 (VCV001299461.3), dbSNP rs2146732713, ClinGen allele CA411903537.